The following is an entry in ClinVar:

NM_004380.3(CREBBP):c.4494A>G (p.Arg1498=)

Gene: CREBBP (CREB binding lysine acetyltransferase; minus strand). Cytogenetic location: 16p13.3.
Variant type: single nucleotide variant.
Coding change: c.4494A>G on transcript NM_004380.3 (MANE Select); coding-DNA position 4494, A replaced by G.
Protein change: p.Arg1498=; no amino-acid change (arginine 1498 retained).
Molecular consequence: synonymous variant.
Genome position (GRCh38, 1-based): chr16:3,736,716, T>C on the plus strand (A>G on the coding strand, the complement: CREBBP is on the minus strand). VCF-style: chr16-3736716-T-C. GRCh37 (hg19) VCF-style: chr16-3786717-T-C.
Other names: c.4380A>G, p.Arg1460= (NM_001079846.1).
Identifiers: ClinVar variation 196025 (VCV000196025.94), dbSNP rs149560660, ClinGen allele CA202087.
Genomic context (GRCh38, chr16:3,736,716, plus strand): 5'-GTCATGGATGATCCGCTCTGCAAACGCCTTGTCCAGCATCTTTTTGTACCACTCCTGCAG[T>C]CGTTTTGGCTTGGGTATTTTTTGATCAGGTGGGTGGCAATGGAAGATGTAATCATCTCCT-3'
Protein context (NP_004371.2, residues 1488-1508): PPDQKIPKPK[Arg1498=]LQEWYKKMLD

ClinVar aggregate classification (germline): Benign/Likely benign. Review status: criteria provided, multiple submitters, no conflicts (2 of 4 stars). 9 submissions from 9 submitters: Benign (2); Likely benign (6). 1 of the submissions does not count toward it. Last evaluated 2026-01-26.

Conditions:
CREBBP-related disorder. Also called: CREBBP-related condition; CREBBP-related disorders.
Menke-Hennekam syndrome 1 (MKHK1). Identifiers: MedGen C5193034, MONDO:0020763, OMIM 618332.
Rubinstein-Taybi syndrome due to CREBBP mutations (RSTS1). Also called: RUBINSTEIN SYNDROME; RUBINSTEIN-TAYBI SYNDROME 1, INCOMPLETE; BROAD THUMB-HALLUX SYNDROME; Rubinstein-Taybi syndrome 1; BROAD THUMBS AND GREAT TOES, CHARACTERISTIC FACIES, AND IMPAIRED INTELLECTUAL DEVELOPMENT; CREBBP-Related Rubinstein-Taybi Syndrome. Identifiers: Orphanet 353277, Orphanet 783, MedGen C4551859, MONDO:0008393, OMIM 180849.
Rubinstein-Taybi syndrome (RSTS). Identifiers: Orphanet 783, MedGen C0035934, MONDO:0019188.
Inborn genetic diseases. Identifiers: MedGen C0950123, MeSH D030342.

Allele frequency attached by ClinVar (database versions not stated): gnomAD 0.00064 and 0.00065; gnomAD exomes 0.00071 and 0.00062; 1000 Genomes Project 30x 0.00016; 1000 Genomes Project 0.00020; ESP Exome Variant Server 0.00046; TOPMed 0.00049; ExAC 0.00064.
gnomAD v4.1: 989 of 1,614,140 alleles (0.061%); highest among the groups gnomAD compares: Non-Finnish European, 0.069%; no homozygotes.

Submissions (9):

Labcorp Genetics (formerly Invitae), Labcorp
Classification: Benign for Rubinstein-Taybi syndrome. Last evaluated: 2026-01-26. Review status: criteria provided, single submitter. Criteria: Invitae Variant Classification Sherloc (09022015). Collection method: clinical testing. Allele origin: germline.

CeGaT Center for Human Genetics Tuebingen
Classification: Likely benign. Last evaluated: 2025-12-01. Review status: criteria provided, single submitter. Criteria: CeGaT Center For Human Genetics Tuebingen Variant Classification Criteria Version 2. Collection method: clinical testing. Allele origin: germline. Affected: yes. Observed: 16 variant alleles.
Comment: CREBBP: BP4, BP7

Laboratory of Genetics, Children's Clinical University Hospital Latvia
Classification: Benign. Last evaluated: 2025-02-16. Review status: criteria provided, single submitter. Criteria: ACMG Guidelines, 2015. Collection method: clinical testing. Allele origin: germline. Affected: yes.

Blueprint Genetics
Classification: Likely benign. Last evaluated: 2024-11-11. Review status: criteria provided, single submitter. Criteria: ACMG Guidelines, 2015. Collection method: clinical testing. Allele origin: germline.

Fulgent Genetics
Classification: Likely benign for Rubinstein-Taybi syndrome due to CREBBP mutations; Menke-Hennekam syndrome 1. Last evaluated: 2021-07-26. Review status: criteria provided, single submitter. Criteria: ACMG Guidelines, 2015. Collection method: clinical testing. Allele origin: unknown.

GeneDx
Classification: Likely benign. Last evaluated: 2021-05-24. Review status: criteria provided, single submitter. Criteria: GeneDx Variant Classification Process June 2021. Collection method: clinical testing. Allele origin: germline. Affected: yes.

Ambry Genetics
Classification: Likely benign for Inborn genetic diseases. Last evaluated: 2016-06-23. Review status: criteria provided, single submitter. Criteria: Ambry Variant Classification Scheme 2023. Collection method: clinical testing. Allele origin: germline.

Eurofins Ntd Llc (ga)
Classification: Likely benign. Last evaluated: 2015-01-02. Review status: criteria provided, single submitter. Criteria: EGL Classification Definitions 2015. Collection method: clinical testing. Allele origin: germline. Observed: 1 variant allele, 1 heterozygote.

PreventionGenetics, part of Exact Sciences
Classification: Likely benign for CREBBP-related condition. Last evaluated: 2021-08-16. Review status: no assertion criteria provided. Collection method: clinical testing. Allele origin: germline. Not counted in ClinVar's aggregate classification.
Comment: This variant is classified as likely benign based on ACMG/AMP sequence variant interpretation guidelines (Richards et al. 2015 PMID: 25741868, with internal and published modifications).